The following is an entry in ClinVar:

ClinVar aggregate classification (germline): Pathogenic (1 of 4 stars; one submission).

Submission:

ISCA Site 6
Classification: Pathogenic. Last evaluated: 2011-08-12. Review status: criteria provided, single submitter. Criteria: Kaminsky et al. (Genet Med. 2011). Collection method: clinical testing. Allele origin: unknown. Affected: yes. Observed: 1 variant allele.
Comment: Copy number variation identified through the course of routine clinical cytogenomic testing in postnatal populations. Clinical assertions have been curated as described in Kaminsky et al. 2011.

GRCh38/hg38 15q11.1-13.1(chr15:19879750-27865713)x3

Genes: ATP10A (ATPase phospholipid transporting 10A (putative); minus strand), ATP10A-DT (ATP10A divergent transcript; plus strand), CYFIP1 (cytoplasmic FMR1 interacting protein 1; minus strand), FAM30B (family with sequence similarity 30 member B; plus strand), FAM30C (family with sequence similarity 30 member C) and 185 more. Cytogenetic location: 15q11.1-13.1.
Variant type: copy number gain.
Change: copy number 3 (three copies instead of two) of chr15:19,879,750-27,865,713 (7.99 Mb, GRCh38 coordinates, 1-based), cytogenetic band 15q11.1-13.1.
Identifiers: ClinVar variation 58536 (VCV000058536.2).